The following is an entry in ClinVar:

NM_000186.4(CFH):c.133G>A (p.Gly45Ser)

Gene: CFH (complement factor H; plus strand). Cytogenetic location: 1q31.3.
Variant type: single nucleotide variant.
Coding change: c.133G>A on transcript NM_000186.4 (MANE Select); coding-DNA position 133, G replaced by A.
Protein change: p.Gly45Ser; replaces glycine 45 with serine.
Molecular consequence: missense variant.
Genome position (GRCh38, 1-based): chr1:196,673,052, G>A. VCF-style: chr1-196673052-G-A. GRCh37 (hg19) VCF-style: chr1-196642182-G-A.
Other names: c.133G>A, p.Gly45Ser (NM_001014975.3); short protein forms G45S.
Identifiers: ClinVar variation 1913365 (VCV001913365.5), dbSNP rs2529329434, ClinGen allele CA343995739.

ClinVar aggregate classification (germline): Uncertain significance (1 of 4 stars; one submission).

Allele frequency attached by ClinVar (database versions not stated): gnomAD exomes below 0.00001.
gnomAD v4.1: 1 of 1,614,016 alleles (0.000062%); highest among the groups gnomAD compares: South Asian, 0.0011%; no homozygotes.

Submission:

Labcorp Genetics (formerly Invitae), Labcorp
Classification: Uncertain significance. Last evaluated: 2022-04-10. Review status: criteria provided, single submitter. Criteria: Invitae Variant Classification Sherloc (09022015). Collection method: clinical testing. Allele origin: germline.
Comment: In summary, the available evidence is currently insufficient to determine the role of this variant in disease. Therefore, it has been classified as a Variant of Uncertain Significance. Algorithms developed to predict the effect of missense changes on protein structure and function are either unavailable or do not agree on the potential impact of this missense change (SIFT: "Deleterious"; PolyPhen-2: "Probably Damaging"; Align-GVGD: "Class C0"). This variant has not been reported in the literature in individuals affected with CFH-related conditions. This variant is not present in population databases (gnomAD no frequency). This sequence change replaces glycine, which is neutral and non-polar, with serine, which is neutral and polar, at codon 45 of the CFH protein (p.Gly45Ser).